The following is an entry in ClinVar:

NM_004656.4(BAP1):c.506A>C (p.His169Pro)

Gene: BAP1 (BRCA1 associated deubiquitinase 1; minus strand). Cytogenetic location: 3p21.1.
Variant type: single nucleotide variant.
Coding change: c.506A>C on transcript NM_004656.4 (MANE Select); coding-DNA position 506, A replaced by C.
Protein change: p.His169Pro; replaces histidine 169 with proline.
Molecular consequence: missense variant.
Genome position (GRCh38, 1-based): chr3:52,407,248, T>G on the plus strand (A>C on the coding strand, the complement: BAP1 is on the minus strand). VCF-style: chr3-52407248-T-G. GRCh37 (hg19) VCF-style: chr3-52441264-T-G.
Other names: short protein forms H169P.
Identifiers: ClinVar variation 1521406 (VCV001521406.8), dbSNP rs2153227828, ClinGen allele CA353109965.

ClinVar aggregate classification (germline): Uncertain significance (1 of 4 stars; one submission).

Conditions:
BAP1-related tumor predisposition syndrome (TPDS1). Also called: Tumor susceptibility linked to germline BAP1 mutations; BAP1 tumor predisposition syndrome; COMMON Syndrome; TUMOR PREDISPOSITION SYNDROME 1. Identifiers: Orphanet 289539, MedGen C3280492, MONDO:0013692, OMIM 614327.

Submission:

Labcorp Genetics (formerly Invitae), Labcorp
Classification: Uncertain significance for BAP1-related tumor predisposition syndrome. Last evaluated: 2021-03-29. Review status: criteria provided, single submitter. Criteria: Invitae Variant Classification Sherloc (09022015). Collection method: clinical testing. Allele origin: germline.
Comment: In summary, the available evidence is currently insufficient to determine the role of this variant in disease. Therefore, it has been classified as a Variant of Uncertain Significance. Algorithms developed to predict the effect of missense changes on protein structure and function (SIFT, PolyPhen-2, Align-GVGD) all suggest that this variant is likely to be disruptive, but these predictions have not been confirmed by published functional studies and their clinical significance is uncertain. This variant has not been reported in the literature in individuals with BAP1-related conditions. This variant is not present in population databases (ExAC no frequency). This sequence change replaces histidine with proline at codon 169 of the BAP1 protein (p.His169Pro). The histidine residue is highly conserved and there is a moderate physicochemical difference between histidine and proline.